The following is an entry in ClinVar:

ClinVar aggregate classification (germline): Pathogenic. Review status: criteria provided, multiple submitters, no conflicts (2 of 4 stars). 3 submissions from 3 submitters: Pathogenic (2). 1 of the submissions does not count toward it. Last evaluated 2024-11-16.

Conditions:
Familial thoracic aortic aneurysm and aortic dissection (TAAD). Also called: Thoracic aortic aneurysms and dissections. Identifiers: Orphanet 91387, MedGen C4707243, MONDO:0019625.
Marfan syndrome (MFS). Also called: MARFAN SYNDROME, TYPE I; Marfan syndrome, classic; FBN1-Related Marfan Syndrome; Marfan syndrome type 1; Marfan's syndrome. Identifiers: Orphanet 284963, Orphanet 558, MedGen C0024796, MONDO:0007947, OMIM 154700.

Submissions (3):

Ambry Genetics
Classification: Pathogenic for Familial thoracic aortic aneurysm and aortic dissection. Last evaluated: 2024-11-16. Review status: criteria provided, single submitter. Criteria: Ambry Variant Classification Scheme 2023. Collection method: clinical testing. Allele origin: germline.
Comment: The p.W2756* pathogenic mutation (also known as c.8268G>A), located in coding exon 65 of the FBN1 gene, results from a G to A substitution at nucleotide position 8268. This changes the amino acid from a tryptophan to a stop codon within coding exon 65. This alteration occurs at the 3' terminus of theFBN1 gene, is not expected to trigger nonsense-mediated mRNA decay, and impacts the last 4% of the protein. However, premature stop codons are typically deleterious in nature and the impacted region is critical for protein function (Ambry internal data). This variant has been detected in individuals who met clinical criteria for Marfan syndrome (Kainulainen K et al. Proc Natl Acad Sci U S A, 1992 Jul;89:5917-21; Ambry internal data). This variant is considered to be rare based on population cohorts in the Genome Aggregation Database (gnomAD). Based on the supporting evidence, this variant is interpreted as a disease-causing mutation.

Labcorp Genetics (formerly Invitae), Labcorp
Classification: Pathogenic for Marfan syndrome; Familial thoracic aortic aneurysm and aortic dissection. Last evaluated: 2023-10-13. Review status: criteria provided, single submitter. Criteria: Invitae Variant Classification Sherloc (09022015). Collection method: clinical testing. Allele origin: germline.
Comment: This sequence change creates a premature translational stop signal (p.Trp2756*) in the FBN1 gene. While this is not anticipated to result in nonsense mediated decay, it is expected to disrupt the last 116 amino acid(s) of the FBN1 protein. This variant is not present in population databases (gnomAD no frequency). This premature translational stop signal has been observed in individual(s) with Marfan syndrome (PMID: 1631074). This variant is also known as a G-to-A transition at nucleotide 5574. ClinVar contains an entry for this variant (Variation ID: 16424). This variant disrupts a region of the FBN1 protein in which other variant(s) (p.Leu2854Profs*9) have been determined to be pathogenic (Invitae). This suggests that this is a clinically significant region of the protein, and that variants that disrupt it are likely to be disease-causing. For these reasons, this variant has been classified as Pathogenic.

OMIM
Classification: Pathogenic for MARFAN SYNDROME. Last evaluated: 1992-07-01. Review status: no assertion criteria provided. Collection method: literature only. Allele origin: germline. Not counted in ClinVar's aggregate classification.

Literature cited by the submitters: PubMed 1631074 (cited by 3 submitters).

NM_000138.5(FBN1):c.8268G>A (p.Trp2756Ter)

Gene: FBN1 (fibrillin 1; minus strand). Cytogenetic location: 15q21.1.
Variant type: single nucleotide variant.
Coding change: c.8268G>A on transcript NM_000138.5 (MANE Select); coding-DNA position 8268, G replaced by A.
Protein change: p.Trp2756Ter; replaces tryptophan 2756 with a stop codon.
Molecular consequence: nonsense.
Genome position (GRCh38, 1-based): chr15:48,411,338, C>T on the plus strand (G>A on the coding strand, the complement: FBN1 is on the minus strand). VCF-style: chr15-48411338-C-T. GRCh37 (hg19) VCF-style: chr15-48703535-C-T.
Other names: FBN1, G8268A, TRP2756TER; W2756*.
Identifiers: ClinVar variation 16424 (VCV000016424.11), dbSNP rs267606796, ClinGen allele CA017671.
Genomic context (GRCh38, chr15:48,411,338, plus strand): 5'-TCGAACCTTGTTACTGACGTGGGAAATATTGAAAGCAAAGATGGCTGTCTTCTCAACATC[C>T]CAACTTGCAAGACTCACATTGGCTTCTGTCTCAGACTGATCCTGGAAAGACACATGGCAA-3'